The following is an entry in ClinVar:

ClinVar aggregate classification (germline): Uncertain significance (1 of 4 stars; one submission).

Submission:

Labcorp Genetics (formerly Invitae), Labcorp
Classification: Uncertain significance. Last evaluated: 2023-06-30. Review status: criteria provided, single submitter. Criteria: Invitae Variant Classification Sherloc (09022015). Collection method: clinical testing. Allele origin: germline.
Comment: An algorithm developed to predict the effect of missense changes on protein structure and function (PolyPhen-2) suggests that this variant is likely to be tolerated. This variant has not been reported in the literature in individuals affected with ARID1A-related conditions. Information on the frequency of this variant in the gnomAD database is not available, as this variant may be reported differently in the database. This sequence change replaces glycine, which is neutral and non-polar, with glutamic acid, which is acidic and polar, at codon 123 of the ARID1A protein (p.Gly123Glu). In summary, the available evidence is currently insufficient to determine the role of this variant in disease. Therefore, it has been classified as a Variant of Uncertain Significance.

NM_006015.6(ARID1A):c.368_369delinsAG (p.Gly123Glu)

Gene: ARID1A (AT-rich interaction domain 1A; plus strand). Cytogenetic location: 1p36.11.
Variant type: Indel.
Coding change: c.368_369delinsAG on transcript NM_006015.6 (MANE Select); coding-DNA positions 368 to 369, GC replaced by AG.
Protein change: p.Gly123Glu; replaces glycine 123 with glutamic acid.
Molecular consequence: missense variant.
Genome position (GRCh38, 1-based): chr1:26,696,771-26,696,772, GC replaced by AG. VCF-style: chr1-26696771-GC-AG. GRCh37 (hg19) VCF-style: chr1-27023262-GC-AG.
Other names: c.368_369delinsAG, p.Gly123Glu (NM_139135.4); short protein forms G123E.
Identifiers: ClinVar variation 3010529 (VCV003010529.3), dbSNP rs2525555373, ClinGen allele CA2740090630.